The following is an entry in ClinVar:

NM_001395413.1(POR):c.723-2A>T

Gene: POR (cytochrome p450 oxidoreductase; plus strand). Cytogenetic location: 7q11.23.
Variant type: single nucleotide variant.
Coding change: c.723-2A>T on transcript NM_001395413.1 (MANE Select); the canonical splice acceptor site of the intron before coding-DNA position 723, A replaced by T.
Molecular consequence: splice acceptor variant.
Genome position (GRCh38, 1-based): chr7:75,982,222, A>T. VCF-style: chr7-75982222-A-T. GRCh37 (hg19) VCF-style: chr7-75611540-A-T.
Other names: c.732-2A>T (NM_000941.2); c.723-2A>T (NM_001382662.3, NM_001382659.3, NM_001367562.3 and 2 more transcripts); c.777-2A>T (NM_001382655.3); c.786-2A>T (NM_001382655.1).
Identifiers: ClinVar variation 1405328 (VCV001405328.10), dbSNP rs782343026, ClinGen allele CA4303818.

ClinVar aggregate classification (germline): Pathogenic. Review status: criteria provided, multiple submitters, no conflicts (2 of 4 stars). 5 submissions from 5 submitters: Pathogenic (4). 1 of the submissions does not count toward it. Last evaluated 2026-03-05.

Conditions:
Antley-Bixler syndrome without genital anomalies or disordered steroidogenesis (ABS2). Also called: Trapezoidocephaly synostosis syndrome; Osteodysgenesis, multisynostotic with fractures; MULTISYNOSTOTIC OSTEODYSGENESIS WITH LONG BONE FRACTURES; Antley-Bixler Syndrome, Autosomal Dominant. Identifiers: Orphanet 596008, Orphanet 83, MedGen C2936791, MONDO:0020667, OMIM 207410.
Antley-Bixler syndrome with genital anomalies and disordered steroidogenesis (ABS1). Also called: POR Deficiency. Identifiers: Orphanet 63269, MedGen C3150099, MONDO:0008726, OMIM 201750.
Congenital adrenal hyperplasia due to cytochrome P450 oxidoreductase deficiency. Also called: DISORDERED STEROIDOGENESIS DUE TO POR DEFICIENCY. Identifiers: Orphanet 95699, MedGen C1860042, MONDO:0013310, OMIM 613571.

Allele frequency attached by ClinVar (database versions not stated): gnomAD 0.00005 and 0.00004; gnomAD exomes 0.00013 and 0.00007; TOPMed 0.00005; ExAC 0.00011.
gnomAD v4.1: 188 of 1,607,848 alleles (0.012%); highest among the groups gnomAD compares: Non-Finnish European, 0.016%; no homozygotes.

Submissions (5):

Dasa
Classification: Pathogenic. Last evaluated: 2026-03-05. Review status: criteria provided, single submitter. Criteria: DASA Assertion Criteria. Collection method: clinical testing. Allele origin: germline.
Comment: NM_001395413.1(POR):c.723-2A>T affects a canonical splice site and is predicted to disrupt normal RNA splicing, leading to loss of normal protein function. Loss-of-function is an established mechanism of disease for this gene. This variant has been recurrently observed in individuals with related phenotype (PMID: 22162478; PMID: 26670660; PMID: 23365120). The variant is present at low frequency in population datasets. Based on the available data, this variant is classified as pathogenic.

Labcorp Genetics (formerly Invitae), Labcorp
Classification: Pathogenic for Congenital adrenal hyperplasia due to cytochrome P450 oxidoreductase deficiency. Last evaluated: 2024-05-20. Review status: criteria provided, single submitter. Criteria: Invitae Variant Classification Sherloc (09022015). Collection method: clinical testing. Allele origin: germline.
Comment: This sequence change affects an acceptor splice site in intron 7 of the POR gene. It is expected to disrupt RNA splicing. Variants that disrupt the donor or acceptor splice site typically lead to a loss of protein function (PMID: 16199547), and loss-of-function variants in POR are known to be pathogenic (PMID: 14758361, 20732302, 21741353). This variant is present in population databases (rs782343026, gnomAD 0.01%). Disruption of this splice site has been observed in individual(s) with Antley-Bixler syndrome and/or cytochrome P450 oxidoreductase deficiency (PMID: 15793702, 22162478, 26670660). In at least one individual the data is consistent with being in trans (on the opposite chromosome) from a pathogenic variant. This variant is also known as IVS6-2A>T. ClinVar contains an entry for this variant (Variation ID: 1405328). Algorithms developed to predict the effect of sequence changes on RNA splicing suggest that this variant may disrupt the consensus splice site. For these reasons, this variant has been classified as Pathogenic.

Department of Pathology and Laboratory Medicine, Sinai Health System
Classification: Pathogenic for Antley-Bixler syndrome with genital anomalies and disordered steroidogenesis. Last evaluated: 2022-01-31. Review status: criteria provided, single submitter. Criteria: ACMG Guidelines, 2015. Collection method: research. Allele origin: germline.

Fulgent Genetics
Classification: Pathogenic for Antley-Bixler syndrome with genital anomalies and disordered steroidogenesis; Antley-Bixler syndrome without genital anomalies or disordered steroidogenesis; Congenital adrenal hyperplasia due to cytochrome P450 oxidoreductase deficiency. Last evaluated: 2021-11-04. Review status: criteria provided, single submitter. Criteria: ACMG Guidelines, 2015. Collection method: clinical testing. Allele origin: unknown.

Genetic Services Laboratory, University of Chicago
Classification: Pathogenic. Last evaluated: 2022-08-16. Review status: no assertion criteria provided. Collection method: clinical testing. Allele origin: germline. Affected: yes. Not counted in ClinVar's aggregate classification.
Comment: This sequence change is in the canonical splice acceptor site of intron 7, c.732-2A>T. This sequence change has been described in the gnomAD database with a frequency of 0.015% in the European subpopulation (dbSNP rs782343026). This sequence change has previously been described in individuals with Antley-Bixler syndrome and/or cytochrome P450 oxidoreductase deficiency (PMID: 15793702, 22162478, 26670660). This sequence change is predicted to affect normal splicing of the POR gene and result in an abnormal protein. This sequence change is likely pathogenic, however functional studies have not been performed to prove this conclusively.

Literature cited by the submitters: PubMed 22162478 (cited by Dasa and Labcorp Genetics (formerly Invitae), Labcorp); PubMed 26670660 (cited by Dasa and Labcorp Genetics (formerly Invitae), Labcorp); PubMed 23365120 (cited by Dasa); PubMed 16199547 (cited by Labcorp Genetics (formerly Invitae), Labcorp); PubMed 14758361 (cited by Labcorp Genetics (formerly Invitae), Labcorp); PubMed 20732302 (cited by Labcorp Genetics (formerly Invitae), Labcorp); PubMed 21741353 (cited by Labcorp Genetics (formerly Invitae), Labcorp); PubMed 15793702 (cited by Labcorp Genetics (formerly Invitae), Labcorp).